The following is an entry in ClinVar:

NM_012179.4(FBXO7):c.899A>T (p.Asp300Val)

Gene: FBXO7 (F-box protein 7; plus strand). Cytogenetic location: 22q12.3.
Variant type: single nucleotide variant.
Coding change: c.899A>T on transcript NM_012179.4 (MANE Select); coding-DNA position 899, A replaced by T.
Protein change: p.Asp300Val; replaces aspartic acid 300 with valine.
Molecular consequence: missense variant.
Genome position (GRCh38, 1-based): chr22:32,491,113, A>T. VCF-style: chr22-32491113-A-T. GRCh37 (hg19) VCF-style: chr22-32887100-A-T.
Other names: c.662A>T, p.Asp221Val (NM_001033024.2); c.557A>T, p.Asp186Val (NM_001257990.2); short protein forms D221V, D300V, D186V.
Identifiers: ClinVar variation 1500537 (VCV001500537.4), dbSNP rs2146000180, ClinGen allele CA411334090.

ClinVar aggregate classification (germline): Uncertain significance (1 of 4 stars; one submission).

Conditions:
Parkinsonian-pyramidal syndrome. Also called: PARKINSON DISEASE 15, AUTOSOMAL RECESSIVE EARLY-ONSET; PARKINSON DISEASE 15, AUTOSOMAL RECESSIVE; PALLIDOPYRAMIDAL SYNDROME. Identifiers: Orphanet 171695, MedGen C1850100, MONDO:0009830, OMIM 260300.

gnomAD v4.1: 7 of 1,613,512 alleles (0.00043%); highest among the groups gnomAD compares: Non-Finnish European, 0.00059%; no homozygotes.

Submission:

Labcorp Genetics (formerly Invitae), Labcorp
Classification: Uncertain significance for Parkinsonian-pyramidal syndrome. Last evaluated: 2021-11-28. Review status: criteria provided, single submitter. Criteria: Invitae Variant Classification Sherloc (09022015). Collection method: clinical testing. Allele origin: germline.
Comment: In summary, the available evidence is currently insufficient to determine the role of this variant in disease. Therefore, it has been classified as a Variant of Uncertain Significance. Algorithms developed to predict the effect of missense changes on protein structure and function are either unavailable or do not agree on the potential impact of this missense change (SIFT: "Deleterious"; PolyPhen-2: "Possibly Damaging"; Align-GVGD: "Class C0"). This variant has not been reported in the literature in individuals affected with FBXO7-related conditions. This variant is not present in population databases (gnomAD no frequency). This sequence change replaces aspartic acid, which is acidic and polar, with valine, which is neutral and non-polar, at codon 300 of the FBXO7 protein (p.Asp300Val).